The following is an entry in ClinVar:

ClinVar aggregate classification (germline): Uncertain significance (1 of 4 stars; one submission).

Allele frequency attached by ClinVar (database versions not stated): gnomAD exomes 0.00001.
gnomAD v4.1: 12 of 1,604,700 alleles (0.00075%); highest among the groups gnomAD compares: South Asian, 0.0022%; 2 homozygotes.

Submission:

Labcorp Genetics (formerly Invitae), Labcorp
Classification: Uncertain significance. Last evaluated: 2025-06-12. Review status: criteria provided, single submitter. Criteria: Invitae Variant Classification Sherloc (09022015). Collection method: clinical testing. Allele origin: germline.
Comment: This sequence change replaces aspartic acid, which is acidic and polar, with asparagine, which is neutral and polar, at codon 1353 of the COL4A1 protein (p.Asp1353Asn). This variant is not present in population databases (gnomAD no frequency). This variant has not been reported in the literature in individuals affected with COL4A1-related conditions. ClinVar contains an entry for this variant (Variation ID: 2152998). Invitae Evidence Modeling of protein sequence and biophysical properties (such as structural, functional, and spatial information, amino acid conservation, physicochemical variation, residue mobility, and thermodynamic stability) indicates that this missense variant is not expected to disrupt COL4A1 protein function with a negative predictive value of 95%. In summary, the available evidence is currently insufficient to determine the role of this variant in disease. Therefore, it has been classified as a Variant of Uncertain Significance.

NM_001845.6(COL4A1):c.4057G>A (p.Asp1353Asn)

Gene: COL4A1 (collagen type IV alpha 1 chain; minus strand). Cytogenetic location: 13q34.
Variant type: single nucleotide variant.
Coding change: c.4057G>A on transcript NM_001845.6 (MANE Select); coding-DNA position 4057, G replaced by A.
Protein change: p.Asp1353Asn; replaces aspartic acid 1353 with asparagine.
Molecular consequence: missense variant.
Genome position (GRCh38, 1-based): chr13:110,164,955, C>T on the plus strand (G>A on the coding strand, the complement: COL4A1 is on the minus strand). VCF-style: chr13-110164955-C-T. GRCh37 (hg19) VCF-style: chr13-110817302-C-T.
Other names: short protein forms D1353N.
Identifiers: ClinVar variation 2152998 (VCV002152998.4), dbSNP rs1487216157, ClinGen allele CA388660249.